The following is an entry in ClinVar:

ClinVar aggregate classification (germline): Pathogenic (1 of 4 stars; one submission).

Conditions:
Oculofaciocardiodental syndrome (MCOPS2). Identifiers: Orphanet 2712, MedGen C1846265, MONDO:0010261, OMIM 300166.

Submission:

Labcorp Genetics (formerly Invitae), Labcorp
Classification: Pathogenic for Oculofaciocardiodental syndrome. Last evaluated: 2018-09-24. Review status: criteria provided, single submitter. Criteria: Invitae Variant Classification Sherloc (09022015). Collection method: clinical testing. Allele origin: germline.
Comment: A gross deletion of the genomic region encompassing the full coding sequence of the BCOR gene has been identified. The boundaries of this event are unknown as the deletion extends beyond the assayed region for this gene and therefore may encompass additional genes. Isolated whole-gene deletions of BCOR have not been reported in the literature. However, larger copy number events that include this gene have been reported (PMID:Â¬â€ 25620158). Loss-of-function variants in BCOR are known to be pathogenic (PMID: 15004558, 19367324. For these reasons, this variant has been classified as Pathogenic.

NC_000023.11:g.(?_40052089)_(40077949_?)del

Genes: BCOR (BCL6 corepressor; minus strand), LOC126863239 (MED14-independent group 3 enhancer GRCh37_chrX:39932994-39934193; plus strand). Cytogenetic location: Xp11.4.
Variant type: Deletion.
Identifiers: ClinVar variation 643718 (VCV000643718.1).